The following is an entry in ClinVar:

ClinVar aggregate classification (germline): Uncertain significance. Review status: criteria provided, multiple submitters, no conflicts (2 of 4 stars). 2 submissions from 2 submitters: Uncertain significance (2). Last evaluated 2024-06-05.

Conditions:
Developmental and epileptic encephalopathy, 27 (DEE27). Also called: GRIN2B-Related Neurodevelopmental Disorder; Epileptic encephalopathy, early infantile, 27. Identifiers: Orphanet 3451, MedGen C4015316, MONDO:0014505, OMIM 616139.
Intellectual developmental disorder, autosomal dominant 6, with or without seizures. Also called: Intellectual disability, autosomal dominant 6; GRIN2B-related developmental delay, intellectual disability and autism spectrum disorder. Identifiers: Orphanet 589547, MedGen C3151411, MONDO:0013509, OMIM 613970.

Allele frequency attached by ClinVar (database versions not stated): gnomAD exomes below 0.00001; TOPMed below 0.00001.
gnomAD v4.1: 1 of 1,614,184 alleles (0.000062%); highest among the groups gnomAD compares: East Asian, 0.0022%; no homozygotes.

Submissions (2):

Fulgent Genetics
Classification: Uncertain significance for Intellectual developmental disorder, autosomal dominant 6, with or without seizures; Developmental and epileptic encephalopathy, 27. Last evaluated: 2024-06-05. Review status: criteria provided, single submitter. Criteria: ACMG Guidelines, 2015. Collection method: clinical testing. Allele origin: germline.

Labcorp Genetics (formerly Invitae), Labcorp
Classification: Uncertain significance for Developmental and epileptic encephalopathy, 27; Intellectual developmental disorder, autosomal dominant 6, with or without seizures. Last evaluated: 2022-03-12. Review status: criteria provided, single submitter. Criteria: Invitae Variant Classification Sherloc (09022015). Collection method: clinical testing. Allele origin: germline.
Comment: This sequence change replaces asparagine, which is neutral and polar, with lysine, which is basic and polar, at codon 1008 of the GRIN2B protein (p.Asn1008Lys). This variant is not present in population databases (gnomAD no frequency). This variant has not been reported in the literature in individuals affected with GRIN2B-related conditions. Advanced modeling of protein sequence and biophysical properties (such as structural, functional, and spatial information, amino acid conservation, physicochemical variation, residue mobility, and thermodynamic stability) performed at Invitae indicates that this missense variant is not expected to disrupt GRIN2B protein function. In summary, the available evidence is currently insufficient to determine the role of this variant in disease. Therefore, it has been classified as a Variant of Uncertain Significance.

NM_000834.5(GRIN2B):c.3024C>A (p.Asn1008Lys)

Gene: GRIN2B (glutamate ionotropic receptor NMDA type subunit 2B; minus strand). Cytogenetic location: 12p13.1.
Variant type: single nucleotide variant.
Coding change: c.3024C>A on transcript NM_000834.5 (MANE Select); coding-DNA position 3024, C replaced by A.
Protein change: p.Asn1008Lys; replaces asparagine 1008 with lysine.
Molecular consequence: missense variant.
Genome position (GRCh38, 1-based): chr12:13,564,214, G>T on the plus strand (C>A on the coding strand, the complement: GRIN2B is on the minus strand). VCF-style: chr12-13564214-G-T. GRCh37 (hg19) VCF-style: chr12-13717148-G-T.
Other names: c.3024C>A, p.Asn1008Lys (NM_001413992.1); short protein forms N1008K.
Identifiers: ClinVar variation 1932141 (VCV001932141.6), dbSNP rs1948602060, ClinGen allele CA383992448.